The following is an entry in ClinVar:

NM_006940.6(SOX5):c.651G>A (p.Leu217=)

Gene: SOX5 (SRY-box transcription factor 5; minus strand). Cytogenetic location: 12p12.1.
Variant type: single nucleotide variant.
Coding change: c.651G>A on transcript NM_006940.6 (MANE Select); coding-DNA position 651, G replaced by A.
Protein change: p.Leu217=; no amino-acid change (leucine 217 retained).
Molecular consequence: synonymous variant.
Genome position (GRCh38, 1-based): chr12:23,740,957, C>T on the plus strand (G>A on the coding strand, the complement: SOX5 is on the minus strand). VCF-style: chr12-23740957-C-T. GRCh37 (hg19) VCF-style: chr12-23893891-C-T.
Other names: c.612G>A, p.Leu204= (NM_001261414.3, NM_152989.5); c.621G>A, p.Leu207= (NM_001261415.3); c.546G>A, p.Leu182= (NM_001330785.2).
Identifiers: ClinVar variation 778586 (VCV000778586.29), dbSNP rs139577239, ClinGen allele CA6484299.
Genomic context (GRCh38, chr12:23,740,957, plus strand): 5'-TTGCTGACGCTGTTTCTCAATCTGAGAGGCAGCTAGTTTCTTCTGCTCATCGTGGGCAGC[C>T]AACAGCTGCTCTCGGAGGCTGGTCAGCTGGTTGATCATACCCATGAGTTGCCTTTCTTTC-3'
Protein context (NP_008871.3, residues 207-227): NQLTSLREQL[Leu217=]AAHDEQKKLA

ClinVar aggregate classification (germline): Benign/Likely benign. Review status: criteria provided, multiple submitters, no conflicts (2 of 4 stars). 3 submissions from 3 submitters: Benign (1); Likely benign (1). 1 of the submissions does not count toward it. Last evaluated 2026-06-01.

Conditions:
SOX5-related disorder. Also called: SOX5-related condition.

Allele frequency attached by ClinVar (database versions not stated): gnomAD exomes 0.00067; ExAC 0.00098; gnomAD 0.00238 and 0.00258; TOPMed 0.00281; 1000 Genomes Project 30x 0.00312; 1000 Genomes Project 0.00319; ESP Exome Variant Server 0.00361.
gnomAD v4.1: 732 of 1,612,336 alleles (0.045%); highest among the groups gnomAD compares: African/African-American, 0.88%; 1 homozygote.

Submissions (3):

CeGaT Center for Human Genetics Tuebingen
Classification: Likely benign. Last evaluated: 2026-06-01. Review status: criteria provided, single submitter. Criteria: CeGaT Center For Human Genetics Tuebingen Variant Classification Criteria Version 2. Collection method: clinical testing. Allele origin: germline. Affected: yes. Observed: 4 variant alleles.
Comment: SOX5: BP4, BS1

Labcorp Genetics (formerly Invitae), Labcorp
Classification: Benign. Last evaluated: 2019-12-31. Review status: criteria provided, single submitter. Criteria: Invitae Variant Classification Sherloc (09022015). Collection method: clinical testing. Allele origin: germline.

PreventionGenetics, part of Exact Sciences
Classification: Benign for SOX5-related condition. Last evaluated: 2021-03-09. Review status: no assertion criteria provided. Collection method: clinical testing. Allele origin: germline. Not counted in ClinVar's aggregate classification.
Comment: This variant is classified as benign based on ACMG/AMP sequence variant interpretation guidelines (Richards et al. 2015 PMID: 25741868, with internal and published modifications).